The following is an entry in ClinVar:

NM_002979.5(SCP2):c.825+1G>A

Gene: SCP2 (sterol carrier protein 2; plus strand). Cytogenetic location: 1p32.3.
Variant type: single nucleotide variant.
Coding change: c.825+1G>A on transcript NM_002979.5 (MANE Select); the canonical splice donor site of the intron after coding-DNA position 825, G replaced by A.
Molecular consequence: splice donor variant.
Genome position (GRCh38, 1-based): chr1:52,978,368, G>A. VCF-style: chr1-52978368-G-A. GRCh37 (hg19) VCF-style: chr1-53444040-G-A.
Other names: c.693+1G>A (NM_001193600.2, NM_001007098.3); c.753+1G>A (NM_001193599.2); c.582+1G>A (NM_001193617.2); c.825+1G>A (NM_001330587.2).
Identifiers: ClinVar variation 2870848 (VCV002870848.3), dbSNP rs144132787, ClinGen allele CA340381513.

ClinVar aggregate classification (germline): Likely pathogenic (1 of 4 stars; one submission).

Submission:

Labcorp Genetics (formerly Invitae), Labcorp
Classification: Likely pathogenic. Last evaluated: 2023-10-17. Review status: criteria provided, single submitter. Criteria: Invitae Variant Classification Sherloc (09022015). Collection method: clinical testing. Allele origin: germline.
Comment: This sequence change affects a donor splice site in intron 9 of the SCP2 gene. It is expected to disrupt RNA splicing. Variants that disrupt the donor or acceptor splice site typically lead to a loss of protein function (PMID: 16199547), and loss-of-function variants in SCP2 are known to be pathogenic (PMID: 16685654, 26497993). This variant is not present in population databases (gnomAD no frequency). Disruption of this splice site has been observed in individual(s) with clinical features of SCP2-related conditions (PMID: 33098801, 35872528). Algorithms developed to predict the effect of sequence changes on RNA splicing suggest that this variant may disrupt the consensus splice site. In summary, the currently available evidence indicates that the variant is pathogenic, but additional data are needed to prove that conclusively. Therefore, this variant has been classified as Likely Pathogenic.

Literature cited by the submitters: PubMed 16199547; PubMed 16685654; PubMed 26497993; PubMed 33098801; PubMed 35872528.